The following is an entry in ClinVar:

NM_014363.6(SACS):c.4747C>A (p.Pro1583Thr)

Gene: SACS (sacsin molecular chaperone; minus strand). Cytogenetic location: 13q12.12.
Variant type: single nucleotide variant.
Coding change: c.4747C>A on transcript NM_014363.6 (MANE Select); coding-DNA position 4747, C replaced by A.
Protein change: p.Pro1583Thr; replaces proline 1583 with threonine.
Molecular consequence: missense variant.
Genome position (GRCh38, 1-based): chr13:23,339,129, G>T on the plus strand (C>A on the coding strand, the complement: SACS is on the minus strand). VCF-style: chr13-23339129-G-T. GRCh37 (hg19) VCF-style: chr13-23913268-G-T.
Other names: c.4306C>A, p.Pro1436Thr (NM_001278055.2); short protein forms P1583T, P1436T.
Identifiers: ClinVar variation 593790 (VCV000593790.7), dbSNP rs1566068552, ClinGen allele CA387527863.
Genomic context (GRCh38, chr13:23,339,129, plus strand): 5'-TAATTTTGATCCCAGGATTGGATTTGTCTTTAATGTGTTTACTGATATGATTTATGTTTG[G>T]ATCGAACATTATCATGAATTCCCGACTCATAATGATGGGAATGTCAGTGATATGGTACAC-3'
Protein context (NP_055178.3, residues 1573-1593): MSREFMIMFD[Pro1583Thr]NINHISKHIK

ClinVar aggregate classification (germline): Conflicting classifications of pathogenicity. Review status: criteria provided, conflicting classifications (1 of 4 stars). 2 submissions from 2 submitters: Likely pathogenic (1); Uncertain significance (1). Last evaluated 2024-07-19.

Conditions:
Spastic paraplegia. Identifiers: MedGen C0037772, HP:0001258.

Submissions (2):

Labcorp Genetics (formerly Invitae), Labcorp
Classification: Likely pathogenic for Spastic paraplegia. Last evaluated: 2024-07-19. Review status: criteria provided, single submitter. Criteria: Invitae Variant Classification Sherloc (09022015). Collection method: clinical testing. Allele origin: germline.
Comment: This sequence change replaces proline, which is neutral and non-polar, with threonine, which is neutral and polar, at codon 1583 of the SACS protein (p.Pro1583Thr). This variant is not present in population databases (gnomAD no frequency). This missense change has been observed in individual(s) with SAC2-related conditions (Invitae). In at least one individual the data is consistent with being in trans (on the opposite chromosome) from a pathogenic variant. ClinVar contains an entry for this variant (Variation ID: 593790). Advanced modeling of protein sequence and biophysical properties (such as structural, functional, and spatial information, amino acid conservation, physicochemical variation, residue mobility, and thermodynamic stability) performed at Invitae indicates that this missense variant is expected to disrupt SACS protein function with a positive predictive value of 95%. In summary, the currently available evidence indicates that the variant is pathogenic, but additional data are needed to prove that conclusively. Therefore, this variant has been classified as Likely Pathogenic.

Eurofins Ntd Llc (ga)
Classification: Uncertain significance. Last evaluated: 2017-09-07. Review status: criteria provided, single submitter. Criteria: EGL Classification Definitions 2015. Collection method: clinical testing. Allele origin: germline. Observed: 1 variant allele, 1 heterozygote.